The following is an entry in ClinVar:

ClinVar aggregate classification (germline): Uncertain significance (1 of 4 stars; one submission).

Submission:

Ambry Genetics
Classification: Uncertain significance. Last evaluated: 2024-06-05. Review status: criteria provided, single submitter. Criteria: Ambry Variant Classification Scheme 2023. Collection method: clinical testing. Allele origin: germline.
Comment: The p.A916G variant (also known as c.2747C>G), located in coding exon 15 of the PALLD gene, results from a C to G substitution at nucleotide position 2747. The alanine at codon 916 is replaced by glycine, an amino acid with similar properties. This amino acid position is conserved. In addition, the in silico prediction for this alteration is inconclusive. Based on the available evidence, the clinical significance of this variant remains unclear.

NM_001166108.2(PALLD):c.2798C>G (p.Ala933Gly)

Genes: CBR4 (carbonyl reductase 4; minus strand), PALLD (palladin, cytoskeletal associated protein; plus strand). Cytogenetic location: 4q32.3.
Variant type: single nucleotide variant.
Coding change: c.2798C>G on transcript NM_001166108.2 (MANE Select); coding-DNA position 2798, C replaced by G.
Protein change: p.Ala933Gly; replaces alanine 933 with glycine.
Molecular consequence: missense variant.
Genome position (GRCh38, 1-based): chr4:168,915,975, C>G. VCF-style: chr4-168915975-C-G. GRCh37 (hg19) VCF-style: chr4-169837126-C-G.
Other names: c.1601C>G, p.Ala534Gly (NM_001166109.2); c.1286C>G, p.Ala429Gly (NM_001166110.2); c.626C>G, p.Ala209Gly (NM_001367567.1, NM_001367569.1); c.677C>G, p.Ala226Gly (NM_001367568.1, NM_001367570.1); c.2747C>G, p.Ala916Gly (NM_016081.4); short protein forms A933G, A534G, A916G, A226G, A429G, A209G.
Identifiers: ClinVar variation 3304114 (VCV003304114.1).